The following is an entry in ClinVar:

NM_000111.3(SLC26A3):c.839_840insACACTATGTTGAATAGGAGCGGTGAGAGAGGGCATCCCTGTCTTGTGCCGGTTTTCAAAGGGAATGCTTCCAGNNNNNNNNNNAAAAAAAAAAAAAAAAAAAAAAAGAAATAAATCA (p.Gln280_Arg281insHisTyrValGluTer)

Gene: SLC26A3 (solute carrier family 26 member 3; minus strand). Cytogenetic location: 7q22.3.
Variant type: Insertion.
Coding change: c.839_840insACACTATGTTGAATAGGAGCGGTGAGAGAGGGCATCCCTGTCTTGTGCCGGTTTTCAAAGGGAATGCTTCCAGNNNNNNNNNNAAAAAAAAAAAAAAAAAAAAAAAGAAATAAATCA on transcript NM_000111.3 (MANE Select); coding-DNA positions 839 to 840, ACACTATGTTGAATAGGAGCGGTGAGAGAGGGCATCCCTGTCTTGTGCCGGTTTTCAAAGGGAATGCTTCCAGNNNNNNNNNNAAAAAAAAAAAAAAAAAAAAAAAGAAATAAATCA inserted.
Protein change: p.Gln280_Arg281insHisTyrValGluTer.
Molecular consequence: nonsense, inframe insertion.
Genome position: GRCh38: chr7:107,787,419-107,787,420. GRCh37 (hg19): chr7:107,427,864-107,427,865.
Identifiers: ClinVar variation 2710688 (VCV002710688.3), dbSNP rs2535468277.

ClinVar aggregate classification (germline): Pathogenic (1 of 4 stars; one submission).

Submission:

Labcorp Genetics (formerly Invitae), Labcorp
Classification: Pathogenic. Last evaluated: 2024-01-21. Review status: criteria provided, single submitter. Criteria: Invitae Variant Classification Sherloc (09022015). Collection method: clinical testing. Allele origin: germline.
Comment: This sequence change inserts a large fragment of DNA, likely a transposable element, in exon 7 of the SLC26A3 gene (c.839_840ins?), causing a frameshift at codon 280 (p.Gln280fs). The exact size and sequence of the insertion cannot be determined by the current assay. However, the insertion is expected to result in an absent or disrupted protein product. This variant is not present in population databases (gnomAD no frequency). This variant has not been reported in the literature in individuals affected with SLC26A3-related conditions. Retrotransposon insertions including LINE1 (L1), Alu, and SVA (SINE-VNTR-Alu) have been reported to be disease-causing through disruption of either a coding region or splice site (PMID: 19763152, 20307669, 22406018) and loss-of-function variants in SLC26A3 are known to be pathogenic (PMID: 9718329, 21394828). For these reasons, this variant has been classified as Pathogenic.

Literature cited by the submitters: PubMed 19763152; PubMed 20307669; PubMed 22406018; PubMed 9718329; PubMed 21394828.